The following is an entry in ClinVar:

ClinVar aggregate classification (germline): Uncertain significance (1 of 4 stars; one submission).

Submission:

Labcorp Genetics (formerly Invitae), Labcorp
Classification: Uncertain significance. Last evaluated: 2021-03-25. Review status: criteria provided, single submitter. Criteria: Invitae Variant Classification Sherloc (09022015). Collection method: clinical testing. Allele origin: germline.
Comment: This sequence change replaces histidine with asparagine at codon 769 of the TNFAIP3 protein (p.His769Asn). The histidine residue is highly conserved and there is a small physicochemical difference between histidine and asparagine. This variant is not present in population databases (ExAC no frequency). This variant has not been reported in the literature in individuals with TNFAIP3-related conditions. Algorithms developed to predict the effect of missense changes on protein structure and function are either unavailable or do not agree on the potential impact of this missense change (SIFT: "Deleterious"; PolyPhen-2: "Probably Damaging"; Align-GVGD: "Class C15"). In summary, the available evidence is currently insufficient to determine the role of this variant in disease. Therefore, it has been classified as a Variant of Uncertain Significance.

NM_001270508.2(TNFAIP3):c.2305C>A (p.His769Asn)

Gene: TNFAIP3 (TNF alpha induced protein 3; plus strand). Cytogenetic location: 6q23.3.
Variant type: single nucleotide variant.
Coding change: c.2305C>A on transcript NM_001270508.2 (MANE Select); coding-DNA position 2305, C replaced by A.
Protein change: p.His769Asn; replaces histidine 769 with asparagine.
Molecular consequence: missense variant.
Genome position (GRCh38, 1-based): chr6:137,881,251, C>A. VCF-style: chr6-137881251-C-A. GRCh37 (hg19) VCF-style: chr6-138202388-C-A.
Other names: c.2305C>A, p.His769Asn (NM_001270507.2, NM_006290.4); short protein forms H769N.
Identifiers: ClinVar variation 1381581 (VCV001381581.8), dbSNP rs2114518008, ClinGen allele CA365798091.